The following is an entry in ClinVar:

ClinVar aggregate classification (germline): Conflicting classifications of pathogenicity. Review status: criteria provided, conflicting classifications (1 of 4 stars). 9 submissions from 9 submitters: Likely pathogenic (8); Uncertain significance (1). Last evaluated 2026-06-16.

Conditions:
Gastrointestinal stromal tumor. Also called: Gastrointestinal stroma tumor; Gastrointestinal stromal tumor, somatic. Identifiers: Orphanet 44890, MedGen C0238198, MeSH D046152, MONDO:0011719, OMIM 606764, HP:0100723.
Hereditary pheochromocytoma and paraganglioma. Also called: Hereditary Paraganglioma-Pheochromocytoma Syndromes; Hereditary paragangliomas and pheochromocytomas; Hereditary pheochromocytoma-paraganglioma. Identifiers: Orphanet 29072, MedGen C4274332, MONDO:0017366.
Pheochromocytoma/paraganglioma syndrome 4. Also called: SDHB-Related Hereditary Paraganglioma-Pheochromocytoma Syndrome (Paragangliomas 4); CAROTID BODY TUMORS AND MULTIPLE EXTRAADRENAL PHEOCHROMOCYTOMAS; PARAGANGLIOMA, FAMILIAL MALIGNANT; PARAGANGLIOMAS, HEREDITARY EXTRAADRENAL; SDHB-Related Hereditary Paraganglioma-Pheochromocytoma Syndrome; PHEOCHROMOCYTOMA, FAMILIAL EXTRAADRENAL. Identifiers: Orphanet 29072, MedGen C1861848, MONDO:0007273, OMIM 115310.
Pheochromocytoma. Also called: MAX-Related Hereditary Paraganglioma-Pheochromocytoma Syndrome. Identifiers: Orphanet 29072, MedGen C0031511, MONDO:0008233, OMIM 171300, HP:0002666.
Hereditary cancer-predisposing syndrome. Also called: Tumor predisposition; Hereditary neoplastic syndrome; Neoplastic Syndromes, Hereditary; Hereditary Cancer Syndrome. Identifiers: Orphanet 140162, MedGen C0027672, MeSH D009386, MONDO:0015356.

Submissions (9):

Victorian Clinical Genetics Services, Murdoch Childrens Research Institute
Classification: Likely pathogenic for Pheochromocytoma/paraganglioma syndrome 4. Last evaluated: 2026-06-16. Review status: criteria provided, single submitter. Criteria: ACMG Guidelines, 2015. Collection method: clinical testing. Allele origin: germline. Affected: yes.
Comment: This variant is classified as Likely pathogenic. Evidence in support of pathogenic classification: Variant is absent from gnomAD (v2, v3 and v4); This variant has strong previous evidence of pathogenicity in unrelated individuals. This variant has been classified as likely pathogenic by clinical laboratories in ClinVar. Additionally, it has been reported in the literature in individuals with paragangliomas and pheochromocytomas (PMID: 33564614, 34906457); Missense variant predicted to be damaging by in silico tool(s) or highly conserved with a major amino acid change. Additional information: Variant is predicted to result in a missense amino acid change from Ile to Phe; This variant is heterozygous; This gene is associated with both recessive and dominant disease (OMIM); Alternative amino acid change(s) at the same position are present in gnomAD (highest allele count: v4: 1 heterozygote(s), 0 homozygote(s)); No published evidence of segregation with disease has been identified for this variant; No published functional evidence has been identified for this variant; Other missense variant(s) comparable to the one identified in this case have inconclusive previous evidence for pathogenicity. p.(Ile97Leu) and p.(Ile97Val) have both been classified as VUS by clinical laboratories in ClinVar; Variant is located in the annotated 2Fe-2S iron-sulfur cluster binding domain (DECIPHER); Loss of function is a known mechanism of disease in this gene and is associated with mitochondrial complex II deficiency, nuclear type 4 (MIM#619224), and pheochromocytoma/paraganglioma syndrome 4 (MIM#115310); The condition associated with this gene has incomplete penetrance (PMID: 20301715).

Labcorp Genetics (formerly Invitae), Labcorp
Classification: Likely pathogenic for Gastrointestinal stromal tumor; Pheochromocytoma/paraganglioma syndrome 4; Pheochromocytoma. Last evaluated: 2025-10-13. Review status: criteria provided, single submitter. Criteria: Invitae Variant Classification Sherloc (09022015). Collection method: clinical testing. Allele origin: germline.
Comment: This sequence change replaces isoleucine, which is neutral and non-polar, with phenylalanine, which is neutral and non-polar, at codon 97 of the SDHB protein (p.Ile97Phe). This variant is not present in population databases (gnomAD no frequency). This missense change has been observed in individuals with paraganglioma or pheochromocytoma (PMID: 34906457; external communication, internal data). ClinVar contains an entry for this variant (Variation ID: 480784). An algorithm developed to predict the effect of missense changes on protein structure and function (PolyPhen-2) suggests that this variant is likely to be disruptive. In summary, the currently available evidence indicates that the variant is pathogenic, but additional data are needed to prove that conclusively. Therefore, this variant has been classified as Likely Pathogenic.

Myriad Genetics, Inc.
Classification: Likely pathogenic for Pheochromocytoma/paraganglioma syndrome 4. Last evaluated: 2025-06-11. Review status: criteria provided, single submitter. Criteria: Myriad Autosomal Dominant, Autosomal Recessive and X-Linked Classification Criteria (2023). Collection method: clinical testing. Allele origin: unknown.
Comment: This variant is considered likely pathogenic. This variant has been reported in multiple individuals with clinical features of gene-specific disease [PMID: 34906457, 33564614, external communications 2025]. This variant is expected to disrupt protein structure [Myriad internal data].

Molecular Pathology, Peter Maccallum Cancer Centre
Classification: Likely pathogenic for Pheochromocytoma/paraganglioma syndrome 4. Last evaluated: 2025-05-28. Review status: criteria provided, single submitter. Criteria: ACMG Guidelines, 2015. Collection method: clinical testing. Allele origin: germline. Inheritance: Autosomal dominant inheritance.

Ambry Genetics
Classification: Likely pathogenic for Hereditary cancer-predisposing syndrome. Last evaluated: 2024-12-31. Review status: criteria provided, single submitter. Criteria: Ambry Variant Classification Scheme 2023. Collection method: clinical testing. Allele origin: germline.
Comment: The p.I97F variant (also known as c.289A>T), located in coding exon 4 of the SDHB gene, results from an A to T substitution at nucleotide position 289. The isoleucine at codon 97 is replaced by phenylalanine, an amino acid with highly similar properties. This variant has been detected in multiple unrelated individuals with paraganglioma (Ambry internal data). This variant was not reported in population-based cohorts in the Genome Aggregation Database (gnomAD). This amino acid position is highly conserved in available vertebrate species. In addition, this alteration is predicted to be deleterious by in silico analysis. Based on the majority of available evidence to date, this variant is likely to be pathogenic.

GeneDx
Classification: Likely pathogenic. Last evaluated: 2024-07-30. Review status: criteria provided, single submitter. Criteria: GeneDx Variant Classification Process June 2021. Collection method: clinical testing. Allele origin: germline. Affected: yes.
Comment: In silico analysis supports that this missense variant has a deleterious effect on protein structure/function; Not observed at significant frequency in large population cohorts (gnomAD); This variant is associated with the following publications: (PMID: Okafor2021[Abstract], 33564614, 34906457)

ARUP Laboratories, Molecular Genetics and Genomics, ARUP Laboratories
Classification: Likely pathogenic. Last evaluated: 2024-05-07. Review status: criteria provided, single submitter. Criteria: ARUP Molecular Germline Variant Investigation Process 2024. Collection method: clinical testing. Allele origin: germline.
Comment: The SDHB c.289A>T; p.Ile97Phe variant (rs1553177769; ClinVar ID: 480784) is reported in the literature in several individuals affected with paraganglioma and/or pheochromocytoma (Chen 2021, Garrett 2022). This variant is absent from the Genome Aggregation Database (v2.1.1), indicating it is not a common polymorphism. Computational analyses predict that this variant is deleterious (REVEL: 0.873). Based on available information, this variant is considered to be likely pathogenic. References: Chen WM et al. Large Retroperitoneal Paraganglioma Associated with Germline Mutation of the Succinate Dehydrogenase Gene. J Kidney Cancer VHL. 2021 Jan 25;8(1):12-18. PMID: 33564614. Garrett A et al. Quantifying evidence toward pathogenicity for rare phenotypes: The case of succinate dehydrogenase genes, SDHB and SDHD. Genet Med. 2022 Jan;24(1):41-50. PMID: 34906457.

All of Us Research Program, National Institutes of Health
Classification: Uncertain significance for Hereditary pheochromocytoma and paraganglioma. Last evaluated: 2023-04-10. Review status: criteria provided, single submitter. Criteria: ACMG Guidelines, 2015. Collection method: clinical testing. Allele origin: germline. Inheritance: Autosomal dominant inheritance. Observed: 1 variant allele, 1 heterozygote.
Comment: This missense variant replaces isoleucine with phenylalanine at codon 97 of the SDHB protein. Computational prediction suggests that this variant may have deleterious impact on protein structure and function (internally defined REVEL score threshold >= 0.7, PMID: 27666373). To our knowledge, functional studies have not been reported for this variant. This variant has been reported in individuals affected with paraganglioma (PMID: 33564614). This variant has not been identified in the general population by the Genome Aggregation Database (gnomAD). The available evidence is insufficient to determine the role of this variant in disease conclusively. Therefore, this variant is classified as a Variant of Uncertain Significance.

This study involves interpretation of variants in research participants for the purpose of population health screening. Participant phenotype was not available at the time of variant classification. Additional details can be found in publication PMID: 35346344, PMCID: PMC8962531

Baylor Genetics
Classification: Likely pathogenic for Gastrointestinal stromal tumor. Last evaluated: 2022-08-03. Review status: criteria provided, single submitter. Criteria: ACMG Guidelines, 2015. Collection method: clinical testing. Allele origin: unknown.

Literature cited by the submitters: PubMed 33564614 (cited by 3 submitters); PubMed 34906457 (cited by 3 submitters); PubMed 20301715 (cited by Victorian Clinical Genetics Services, Murdoch Childrens Research Institute).

NM_003000.3(SDHB):c.289A>T (p.Ile97Phe)

Gene: SDHB (succinate dehydrogenase complex iron sulfur subunit B; minus strand). Cytogenetic location: 1p36.13.
Variant type: single nucleotide variant.
Coding change: c.289A>T on transcript NM_003000.3 (MANE Select); coding-DNA position 289, A replaced by T.
Protein change: p.Ile97Phe; replaces isoleucine 97 with phenylalanine.
Molecular consequence: missense variant.
Genome position (GRCh38, 1-based): chr1:17,028,734, T>A on the plus strand (A>T on the coding strand, the complement: SDHB is on the minus strand). VCF-style: chr1-17028734-T-A. GRCh37 (hg19) VCF-style: chr1-17355229-T-A.
Other names: short protein forms I97F.
Identifiers: ClinVar variation 480784 (VCV000480784.21), dbSNP rs1553177769, ClinGen allele CA338275267.